The following is an entry in ClinVar:

NM_033100.4(CDHR1):c.931C>A (p.Leu311Ile)

Gene: CDHR1 (cadherin related family member 1; plus strand). Cytogenetic location: 10q23.1.
Variant type: single nucleotide variant.
Coding change: c.931C>A on transcript NM_033100.4 (MANE Select); coding-DNA position 931, C replaced by A.
Protein change: p.Leu311Ile; replaces leucine 311 with isoleucine.
Molecular consequence: missense variant.
Genome position (GRCh38, 1-based): chr10:84,205,895, C>A. VCF-style: chr10-84205895-C-A. GRCh37 (hg19) VCF-style: chr10-85965651-C-A.
Other names: c.931C>A, p.Leu311Ile (NM_001171971.3); short protein forms L311I.
Identifiers: ClinVar variation 1018774 (VCV001018774.7), dbSNP rs149527368, ClinGen allele CA5579778.

ClinVar aggregate classification (germline): Uncertain significance. Review status: criteria provided, multiple submitters, no conflicts (2 of 4 stars). 2 submissions from 2 submitters: Uncertain significance (2). Last evaluated 2024-07-24.

Allele frequency attached by ClinVar (database versions not stated): gnomAD 0.00003 and 0.00004; TOPMed 0.00003; ExAC 0.00004; gnomAD exomes 0.00004 and 0.00005; ESP Exome Variant Server 0.00008.
gnomAD v4.1: 82 of 1,613,956 alleles (0.0051%); highest among the groups gnomAD compares: Middle Eastern, 0.049%; no homozygotes.

Submissions (2):

Blueprint Genetics
Classification: Uncertain significance. Last evaluated: 2024-07-24. Review status: criteria provided, single submitter. Criteria: ACMG Guidelines, 2015. Collection method: clinical testing. Allele origin: germline.

Labcorp Genetics (formerly Invitae), Labcorp
Classification: Uncertain significance. Last evaluated: 2022-10-13. Review status: criteria provided, single submitter. Criteria: Invitae Variant Classification Sherloc (09022015). Collection method: clinical testing. Allele origin: germline.
Comment: This sequence change replaces leucine, which is neutral and non-polar, with isoleucine, which is neutral and non-polar, at codon 311 of the CDHR1 protein (p.Leu311Ile). This variant is present in population databases (rs149527368, gnomAD 0.007%). This variant has not been reported in the literature in individuals affected with CDHR1-related conditions. ClinVar contains an entry for this variant (Variation ID: 1018774). Advanced modeling of protein sequence and biophysical properties (such as structural, functional, and spatial information, amino acid conservation, physicochemical variation, residue mobility, and thermodynamic stability) performed at Invitae indicates that this missense variant is not expected to disrupt CDHR1 protein function. In summary, the available evidence is currently insufficient to determine the role of this variant in disease. Therefore, it has been classified as a Variant of Uncertain Significance.